The following is an entry in ClinVar:

NM_004456.5(EZH2):c.1905T>C (p.Asp635=)

Gene: EZH2 (enhancer of zeste 2 polycomb repressive complex 2 subunit; minus strand). Cytogenetic location: 7q36.1.
Variant type: single nucleotide variant.
Coding change: c.1905T>C on transcript NM_004456.5 (MANE Select); coding-DNA position 1905, T replaced by C.
Protein change: p.Asp635=; no amino-acid change (aspartic acid 635 retained).
Molecular consequence: synonymous variant.
Genome position (GRCh38, 1-based): chr7:148,811,667, A>G on the plus strand (T>C on the coding strand, the complement: EZH2 is on the minus strand). VCF-style: chr7-148811667-A-G. GRCh37 (hg19) VCF-style: chr7-148508759-A-G.
Other names: c.1890T>C, p.Asp630= (NM_001203247.2); c.1863T>C, p.Asp621= (NM_001203248.2); c.1737T>C, p.Asp579= (NM_001203249.2); c.1773T>C, p.Asp591= (NM_152998.3).
Identifiers: ClinVar variation 697798 (VCV000697798.33), dbSNP rs372010918, ClinGen allele CA4547764.

ClinVar aggregate classification (germline): Likely benign. Review status: criteria provided, multiple submitters, no conflicts (2 of 4 stars). 3 submissions from 3 submitters: Likely benign (3). Last evaluated 2025-09-08.

Conditions:
Weaver syndrome (WVS). Also called: Weaver Smith syndrome; Overgrowth syndrome with accelerated skeletal maturation, unusual facies, and camptodactyly. Identifiers: Orphanet 3447, MedGen C0265210, MONDO:0010193, OMIM 277590.

Allele frequency attached by ClinVar (database versions not stated): gnomAD exomes 0.00001 and 0.00003; ExAC 0.00002; gnomAD 0.00002 and 0.00003; TOPMed 0.00003; ESP Exome Variant Server 0.00008.
gnomAD v4.1: 47 of 1,613,614 alleles (0.0029%); highest among the groups gnomAD compares: Non-Finnish European, 0.004%; no homozygotes.

Submissions (3):

Labcorp Genetics (formerly Invitae), Labcorp
Classification: Likely benign for Weaver syndrome. Last evaluated: 2025-09-08. Review status: criteria provided, single submitter. Criteria: Invitae Variant Classification Sherloc (09022015). Collection method: clinical testing. Allele origin: germline.

Blueprint Genetics
Classification: Likely benign. Last evaluated: 2024-07-05. Review status: criteria provided, single submitter. Criteria: ACMG Guidelines, 2015. Collection method: clinical testing. Allele origin: germline.

CeGaT Center for Human Genetics Tuebingen
Classification: Likely benign. Last evaluated: 2024-02-01. Review status: criteria provided, single submitter. Criteria: CeGaT Center For Human Genetics Tuebingen Variant Classification Criteria Version 2. Collection method: clinical testing. Allele origin: germline. Affected: yes. Observed: 1 variant allele.
Comment: EZH2: BP4, BP7